The following is an entry in ClinVar:

NM_000038.6(APC):c.5309A>G (p.Lys1770Arg)

Gene: APC (APC regulator of Wnt signaling pathway; plus strand). Cytogenetic location: 5q22.2.
Variant type: single nucleotide variant.
Coding change: c.5309A>G on transcript NM_000038.6 (MANE Select); coding-DNA position 5309, A replaced by G.
Protein change: p.Lys1770Arg; replaces lysine 1770 with arginine.
Molecular consequence: missense variant.
Genome position (GRCh38, 1-based): chr5:112,840,903, A>G. VCF-style: chr5-112840903-A-G. GRCh37 (hg19) VCF-style: chr5-112176600-A-G.
Other names: c.5309A>G, p.Lys1770Arg (NM_001127510.3, NM_001354895.2); c.5255A>G, p.Lys1752Arg (NM_001127511.3); c.5363A>G, p.Lys1788Arg (NM_001354896.2); c.5339A>G, p.Lys1780Arg (NM_001354897.2); c.5234A>G, p.Lys1745Arg (NM_001354898.2); c.5225A>G, p.Lys1742Arg (NM_001354899.2); c.5186A>G, p.Lys1729Arg (NM_001354900.2); c.5132A>G, p.Lys1711Arg (NM_001354901.2); and 5 more; short protein forms K1752R, K1770R, K1745R, K1729R, K1780R, K1487R, K1610R, K1669R.
Identifiers: ClinVar variation 428146 (VCV000428146.5), dbSNP rs1114167585, ClinGen allele CA16032939.

ClinVar aggregate classification (germline): Uncertain significance (1 of 4 stars; one submission).

Conditions:
Hereditary cancer-predisposing syndrome. Also called: Hereditary Cancer Syndrome; Neoplastic Syndromes, Hereditary; Hereditary neoplastic syndrome; Tumor predisposition. Identifiers: Orphanet 140162, MedGen C0027672, MeSH D009386, MONDO:0015356.

Submission:

Ambry Genetics
Classification: Uncertain significance for Hereditary cancer-predisposing syndrome. Last evaluated: 2016-01-05. Review status: criteria provided, single submitter. Criteria: Ambry Variant Classification Scheme 2023. Collection method: clinical testing. Allele origin: germline.
Comment: The p.K1770R variant (also known as c.5309A>G), located in coding exon 15 of the APC gene, results from an A to G substitution at nucleotide position 5309. The lysine at codon 1770 is replaced by arginine, an amino acid with highly similar properties. This variant was not reported in population based cohorts in the following databases: Database of Single Nucleotide Polymorphisms (dbSNP), NHLBI Exome Sequencing Project (ESP), and 1000 Genomes Project. In the ESP, this variant was not observed in 6501 samples (13002 alleles) with coverage at this position. To date, this alteration has been detected with an allele frequency of approximately 0.001% (greater than 70000 alleles tested) in our clinical cohort. This amino acid position is well conserved in available vertebrate species. In addition, in silico predictors for this gene do not accurately predict pathogenicity. Since supporting evidence is limited at this time, the clinical significance of p.K1770R remains unclear.